The following is an entry in ClinVar:

ClinVar aggregate classification (germline): Benign/Likely benign. Review status: criteria provided, multiple submitters, no conflicts (2 of 4 stars). 3 submissions from 3 submitters: Benign (1); Likely benign (2). Last evaluated 2026-05-06.

Conditions:
Colorectal cancer, hereditary nonpolyposis, type 7. Identifiers: Orphanet 144, MedGen C1858380, MONDO:0013725, OMIM 614385.

Allele frequency attached by ClinVar (database versions not stated): TOPMed 0.00002; gnomAD 0.00001.
gnomAD v4.1: 27 of 1,613,928 alleles (0.0017%); highest among the groups gnomAD compares: Non-Finnish European, 0.0023%; no homozygotes.

Submissions (3):

Myriad Genetics, Inc.
Classification: Benign for Colorectal cancer, hereditary nonpolyposis, type 7. Last evaluated: 2026-05-06. Review status: criteria provided, single submitter. Criteria: Myriad Autosomal Dominant, Autosomal Recessive and X-Linked Classification Criteria (2023). Collection method: clinical testing. Allele origin: unknown.
Comment: This variant is considered benign. This variant is a silent/synonymous amino acid change and it is not expected to impact splicing.

Labcorp Genetics (formerly Invitae), Labcorp
Classification: Likely benign for Colorectal cancer, hereditary nonpolyposis, type 7. Last evaluated: 2024-11-18. Review status: criteria provided, single submitter. Criteria: Invitae Variant Classification Sherloc (09022015). Collection method: clinical testing. Allele origin: germline.

Ambry Genetics
Classification: Likely benign. Last evaluated: 2022-03-15. Review status: criteria provided, single submitter. Criteria: Ambry Variant Classification Scheme 2023. Collection method: clinical testing. Allele origin: germline.

NM_001040108.2(MLH3):c.3765G>A (p.Leu1255=)

Gene: MLH3 (mutL homolog 3; minus strand). Cytogenetic location: 14q24.3.
Variant type: single nucleotide variant.
Coding change: c.3765G>A on transcript NM_001040108.2 (MANE Select); coding-DNA position 3765, G replaced by A.
Protein change: p.Leu1255=; no amino-acid change (leucine 1255 retained).
Molecular consequence: synonymous variant.
Genome position (GRCh38, 1-based): chr14:75,032,130, C>T on the plus strand (G>A on the coding strand, the complement: MLH3 is on the minus strand). VCF-style: chr14-75032130-C-T. GRCh37 (hg19) VCF-style: chr14-75498833-C-T.
Other names: c.3693G>A, p.Leu1231= (NM_014381.3).
Identifiers: ClinVar variation 1734715 (VCV001734715.5), dbSNP rs1410738510, ClinGen allele CA487176030.
Genomic context (GRCh38, chr14:75,032,130, plus strand): 5'-TAAGAGTCTCCTTTGTTCCTCTGTCACTGTTATCTCTAGCGGAGGAATTAGAGTAGAAGA[C>T]AGTAATTTTTTCCGACCAGAGCCTTGTGCCTGTTGCTTCTCGTAGGAATCTATTGGCAGA-3'
Protein context (NP_001035197.1, residues 1245-1265): QAQGSGRKKL[Leu1255=]SSTLIPPLEI